The following is an entry in ClinVar:

NM_007294.4(BRCA1):c.74_78del (p.Pro25fs)

Gene: BRCA1 (BRCA1 DNA repair associated; minus strand). Cytogenetic location: 17q21.31.
Variant type: Deletion.
Coding change: c.74_78del on transcript NM_007294.4 (MANE Select); coding-DNA positions 74 to 78, 5 bases deleted (CCATC; older notation c.74_78delCCATC).
Protein change: p.Pro25fs; shifts the reading frame from proline 25.
Molecular consequence: frameshift variant. On other transcripts: 5 prime UTR variant (136), intron variant (36).
Genome position (GRCh38, 1-based): chr17:43,124,019-43,124,023, GATGG deleted on the plus strand (CCATC on the coding strand, the reverse complement: BRCA1 is on the minus strand); deleting any 5 consecutive bases within chr17:43,124,019-43,124,025 gives the same sequence; the c. name uses the placement nearest the transcript's 3' end. VCF-style (leftmost placement, unchanged base first): chr17-43124018-AGATGG-A. GRCh37 (hg19) VCF-style: chr17-41276035-AGATGG-A.
Other names: c.74_78del, p.Pro25fs (NM_001407645.1, NM_001407646.1, NM_001407647.1 and 192 more transcripts); c.-184_-180del (NM_001407694.1, NM_001407724.1, NM_001407727.1 and 11 more transcripts); c.-188_-184del (NM_001407695.1, NM_001408465.1); c.-329_-325del (NM_001407696.1); c.-213_-209del (NM_001407697.1, NM_001407846.1, NM_001407920.1); c.-14_-10del (NM_001407698.1, NM_001407732.1, NM_001407736.1 and 23 more transcripts); c.-187_-183del (NM_001407725.1, NM_001407730.1, NM_001407734.1 and 22 more transcripts); c.-133_-129del (NM_001407726.1, NM_001407751.1); and 23 more; short protein forms P25fs.
Identifiers: ClinVar variation 4856740 (VCV004856740.1).

ClinVar aggregate classification (germline): Pathogenic (1 of 4 stars; one submission).

Conditions:
Breast-ovarian cancer, familial, susceptibility to, 1 (BROVCA1). Also called: OVARIAN CANCER, SUSCEPTIBILITY TO; BRCA1 Hereditary Breast and Ovarian Cancer. Identifiers: Orphanet 145, MedGen C2676676, MONDO:0011450, OMIM 604370. Disease mechanism: loss of function.

Submission:

Myriad Genetics, Inc.
Classification: Pathogenic for Breast-ovarian cancer, familial, susceptibility to, 1. Last evaluated: 2026-02-11. Review status: criteria provided, single submitter. Criteria: Myriad Autosomal Dominant, Autosomal Recessive and X-Linked Classification Criteria (2023). Collection method: clinical testing. Allele origin: unknown.
Comment: This variant is considered pathogenic. This variant creates a frameshift predicted to result in premature protein truncation.